The following is an entry in ClinVar:

NM_000530.8(MPZ):c.391A>C (p.Asn131His)

Gene: MPZ (myelin protein zero; minus strand). Cytogenetic location: 1q23.3.
Variant type: single nucleotide variant.
Coding change: c.391A>C on transcript NM_000530.8 (MANE Select); coding-DNA position 391, A replaced by C.
Protein change: p.Asn131His; replaces asparagine 131 with histidine.
Molecular consequence: missense variant.
Genome position (GRCh38, 1-based): chr1:161,306,765, T>G on the plus strand (A>C on the coding strand, the complement: MPZ is on the minus strand). VCF-style: chr1-161306765-T-G. GRCh37 (hg19) VCF-style: chr1-161276555-T-G.
Other names: c.391A>C, p.Asn131His (NM_001315491.2); short protein forms N131H.
Identifiers: ClinVar variation 1017277 (VCV001017277.9), dbSNP rs1571818826, ClinGen allele CA343348769.

ClinVar aggregate classification (germline): Conflicting classifications of pathogenicity. Review status: criteria provided, conflicting classifications (1 of 4 stars). 2 submissions from 2 submitters: Likely pathogenic (1); Uncertain significance (1). Last evaluated 2022-09-06.

Conditions:
Charcot-Marie-Tooth disease, type I (CMT1). Also called: Charcot-Marie-Tooth disease type 1; Charcot-Marie-Tooth, Type 1. Identifiers: Orphanet 65753, MedGen C0751036, MONDO:0019011.
MPZ-related disorder. Also called: MPZ-related disorders; MPZ-related condition.

Submissions (2):

Labcorp Genetics (formerly Invitae), Labcorp
Classification: Uncertain significance for Charcot-Marie-Tooth disease, type I. Last evaluated: 2022-09-06. Review status: criteria provided, single submitter. Criteria: Invitae Variant Classification Sherloc (09022015). Collection method: clinical testing. Allele origin: germline.
Comment: This variant is not present in population databases (gnomAD no frequency). In summary, the available evidence is currently insufficient to determine the role of this variant in disease. Therefore, it has been classified as a Variant of Uncertain Significance. This variant disrupts the p.Asn131 amino acid residue in MPZ. Other variant(s) that disrupt this residue have been determined to be pathogenic (PMID: 10553995, 12940837). This suggests that this residue is clinically significant, and that variants that disrupt this residue are likely to be disease-causing. Algorithms developed to predict the effect of missense changes on protein structure and function are either unavailable or do not agree on the potential impact of this missense change (SIFT: "Deleterious"; PolyPhen-2: "Benign"; Align-GVGD: "Class C65"). ClinVar contains an entry for this variant (Variation ID: 1017277). This variant has not been reported in the literature in individuals affected with MPZ-related conditions. This sequence change replaces asparagine, which is neutral and polar, with histidine, which is basic and polar, at codon 131 of the MPZ protein (p.Asn131His).

Blueprint Genetics
Classification: Likely pathogenic for MPZ-related disorders. Last evaluated: 2020-03-13. Review status: criteria provided, single submitter. Criteria: ACMG Guidelines, 2015. Collection method: clinical testing. Allele origin: germline. Affected: yes. Observed: 1 variant allele.

Literature cited by the submitters: PubMed 10553995 (cited by Labcorp Genetics (formerly Invitae), Labcorp); PubMed 12940837 (cited by Labcorp Genetics (formerly Invitae), Labcorp).